The following is an entry in ClinVar:

ClinVar aggregate classification (germline): Uncertain significance (1 of 4 stars; one submission).

Conditions:
Long QT syndrome 10 (LQT10). Identifiers: Orphanet 101016, Orphanet 768, MedGen C2678484, MONDO:0012737, OMIM 611819.

Submission:

Labcorp Genetics (formerly Invitae), Labcorp
Classification: Uncertain significance for Long QT syndrome 10. Last evaluated: 2025-04-01. Review status: criteria provided, single submitter. Criteria: Invitae Variant Classification Sherloc (09022015). Collection method: clinical testing. Allele origin: germline.
Comment: This sequence change replaces glutamic acid, which is acidic and polar, with lysine, which is basic and polar, at codon 81 of the SCN4B protein (p.Glu81Lys). This variant is present in population databases (no rsID available, gnomAD 0.0009%). This variant has not been reported in the literature in individuals affected with SCN4B-related conditions. An algorithm developed to predict the effect of missense changes on protein structure and function (PolyPhen-2) suggests that this variant is likely to be tolerated. In summary, the available evidence is currently insufficient to determine the role of this variant in disease. Therefore, it has been classified as a Variant of Uncertain Significance.

NM_174934.4(SCN4B):c.241G>A (p.Glu81Lys)

Genes: SCN4B (sodium voltage-gated channel beta subunit 4; minus strand), LOC126861356 (BRD4-independent group 4 enhancer GRCh37_chr11:118014519-118015718; plus strand). Cytogenetic location: 11q23.3.
Variant type: single nucleotide variant.
Coding change: c.241G>A on transcript NM_174934.4 (MANE Select); coding-DNA position 241, G replaced by A.
Protein change: p.Glu81Lys; replaces glutamic acid 81 with lysine.
Molecular consequence: missense variant. On other transcripts: 5 prime UTR variant (1), non-coding transcript variant (1), intron variant (1).
Genome position (GRCh38, 1-based): chr11:118,144,055, C>T on the plus strand (G>A on the coding strand, the complement: SCN4B is on the minus strand). VCF-style: chr11-118144055-C-T. GRCh37 (hg19) VCF-style: chr11-118014770-C-T.
Other names: c.-90G>A (NM_001142349.2); c.62-2719G>A (NM_001142348.2); short protein forms E81K.
Identifiers: ClinVar variation 4698307 (VCV004698307.1).